The following is an entry in ClinVar:

NM_003072.5(SMARCA4):c.4008C>G (p.Arg1336=)

Gene: SMARCA4 (SWI/SNF related BAF chromatin remodeling complex subunit ATPase 4; plus strand). Cytogenetic location: 19p13.2.
Variant type: single nucleotide variant.
Coding change: c.4008C>G on transcript NM_003072.5 (MANE Select); coding-DNA position 4008, C replaced by G.
Protein change: p.Arg1336=; no amino-acid change (arginine 1336 retained).
Molecular consequence: synonymous variant. On other transcripts: non-coding transcript variant (1).
Genome position (GRCh38, 1-based): chr19:11,034,970, C>G. VCF-style: chr19-11034970-C-G. GRCh37 (hg19) VCF-style: chr19-11145646-C-G.
Other names: c.4008C>G, p.Arg1336= (NM_001128844.3, NM_001128849.3, NM_001387283.1); c.3909C>G, p.Arg1303= (NM_001128845.2, NM_001128846.2, NM_001128847.4 and 2 more transcripts).
Identifiers: ClinVar variation 484869 (VCV000484869.34), dbSNP rs1467214059, ClinGen allele CA505493332.

ClinVar aggregate classification (germline): Benign/Likely benign. Review status: criteria provided, multiple submitters, no conflicts (2 of 4 stars). 4 submissions from 4 submitters: Benign (1); Likely benign (3). Last evaluated 2026-07-17.

Conditions:
Hereditary cancer-predisposing syndrome. Also called: Tumor predisposition; Neoplastic Syndromes, Hereditary; Hereditary Cancer Syndrome; Hereditary neoplastic syndrome. Identifiers: Orphanet 140162, MedGen C0027672, MeSH D009386, MONDO:0015356.
Rhabdoid tumor predisposition syndrome 2 (RTPS2). Identifiers: Orphanet 231108, Orphanet 69077, MedGen C2750074, MONDO:0013224, OMIM 613325.

Allele frequency attached by ClinVar (database versions not stated): gnomAD 0.00001; TOPMed 0.00002.
gnomAD v4.1: 15 of 1,603,582 alleles (0.00094%); highest among the groups gnomAD compares: Non-Finnish European, 0.0013%; no homozygotes.

Submissions (4):

Myriad Genetics, Inc.
Classification: Benign for Rhabdoid tumor predisposition syndrome 2. Last evaluated: 2026-07-17. Review status: criteria provided, single submitter. Criteria: Myriad Autosomal Dominant, Autosomal Recessive and X-Linked Classification Criteria (2023). Collection method: clinical testing. Allele origin: unknown.
Comment: This variant is considered benign. This variant is a silent/synonymous amino acid change and it is not expected to impact splicing.

Labcorp Genetics (formerly Invitae), Labcorp
Classification: Likely benign for Rhabdoid tumor predisposition syndrome 2. Last evaluated: 2026-01-26. Review status: criteria provided, single submitter. Criteria: Invitae Variant Classification Sherloc (09022015). Collection method: clinical testing. Allele origin: germline.

CeGaT Center for Human Genetics Tuebingen
Classification: Likely benign. Last evaluated: 2025-09-01. Review status: criteria provided, single submitter. Criteria: CeGaT Center For Human Genetics Tuebingen Variant Classification Criteria Version 2. Collection method: clinical testing. Allele origin: germline. Affected: yes. Observed: 4 variant alleles.
Comment: SMARCA4: BP4, BP7

Ambry Genetics
Classification: Likely benign for Hereditary cancer-predisposing syndrome. Last evaluated: 2015-11-17. Review status: criteria provided, single submitter. Criteria: Ambry Variant Classification Scheme 2023. Collection method: clinical testing. Allele origin: germline.